The following is an entry in ClinVar:

ClinVar aggregate classification (germline): Uncertain significance. Review status: criteria provided, multiple submitters, no conflicts (2 of 4 stars). 4 submissions from 4 submitters: Uncertain significance (4). Last evaluated 2024-07-31.

Conditions:
Hereditary cancer-predisposing syndrome. Also called: Neoplastic Syndromes, Hereditary; Hereditary Cancer Syndrome; Tumor predisposition; Hereditary neoplastic syndrome. Identifiers: Orphanet 140162, MedGen C0027672, MeSH D009386, MONDO:0015356.
Familial cancer of breast. Also called: Hereditary breast cancer; BREAST CANCER, FAMILIAL; hereditary breast carcinoma. Identifiers: Orphanet 227535, MedGen C0346153, MONDO:0016419, OMIM 114480. Disease mechanism: loss of function.
Ataxia-telangiectasia syndrome (AT). Also called: LOUIS-BAR SYNDROME; Cerebello-oculocutaneous telangiectasia; Immunodeficiency with ataxia telangiectasia; Ataxia-telangiectasia, complementation group D; AT, COMPLEMENTATION GROUP C; Ataxia-telangiectasia, complementation group E. Identifiers: Orphanet 100, MedGen C0004135, MONDO:0008840, OMIM 208900.

Allele frequency attached by ClinVar (database versions not stated): gnomAD 0.00001; TOPMed below 0.00001.
gnomAD v4.1: 2 of 1,613,890 alleles (0.00012%); highest among the groups gnomAD compares: African/African-American, 0.0027%; no homozygotes.

Submissions (4):

Ambry Genetics
Classification: Uncertain significance for Hereditary cancer-predisposing syndrome. Last evaluated: 2024-07-31. Review status: criteria provided, single submitter. Criteria: Ambry Variant Classification Scheme 2023. Collection method: clinical testing. Allele origin: germline.
Comment: The p.E2422K variant (also known as c.7264G>A), located in coding exon 48 of the ATM gene, results from a G to A substitution at nucleotide position 7264. The glutamic acid at codon 2422 is replaced by lysine, an amino acid with similar properties. This amino acid position is well conserved in available vertebrate species. In addition, the in silico prediction for this alteration is inconclusive. Based on the available evidence, the clinical significance of this variant remains unclear.

Labcorp Genetics (formerly Invitae), Labcorp
Classification: Uncertain significance for Ataxia-telangiectasia syndrome. Last evaluated: 2024-06-11. Review status: criteria provided, single submitter. Criteria: Invitae Variant Classification Sherloc (09022015). Collection method: clinical testing. Allele origin: germline.
Comment: This sequence change replaces glutamic acid, which is acidic and polar, with lysine, which is basic and polar, at codon 2422 of the ATM protein (p.Glu2422Lys). This variant is not present in population databases (gnomAD no frequency). This variant has not been reported in the literature in individuals affected with ATM-related conditions. ClinVar contains an entry for this variant (Variation ID: 482697). An algorithm developed to predict the effect of missense changes on protein structure and function (PolyPhen-2) suggests that this variant is likely to be tolerated. In summary, the available evidence is currently insufficient to determine the role of this variant in disease. Therefore, it has been classified as a Variant of Uncertain Significance.

Baylor Genetics
Classification: Uncertain significance for Familial cancer of breast. Last evaluated: 2024-01-23. Review status: criteria provided, single submitter. Criteria: ACMG Guidelines, 2015. Collection method: clinical testing. Allele origin: unknown.

Color Diagnostics, LLC DBA Color Health
Classification: Uncertain significance for Hereditary cancer-predisposing syndrome. Last evaluated: 2023-12-04. Review status: criteria provided, single submitter. Criteria: ACMG Guidelines, 2015. Collection method: clinical testing. Allele origin: germline.
Comment: This missense variant replaces glutamic acid with lysine at codon 2422 of the ATM protein. Computational prediction is inconclusive regarding the impact of this variant on protein structure and function (internally defined REVEL score threshold 0.5 < inconclusive < 0.7, PMID: 27666373). To our knowledge, functional studies have not been reported for this variant. This variant has not been reported in individuals affected with ATM-related disorders in the literature. This variant has not been identified in the general population by the Genome Aggregation Database (gnomAD). The available evidence is insufficient to determine the role of this variant in disease conclusively. Therefore, this variant is classified as a Variant of Uncertain Significance.

NM_000051.4(ATM):c.7264G>A (p.Glu2422Lys)

Genes: C11orf65 (chromosome 11 open reading frame 65; minus strand), ATM (ATM serine/threonine kinase; plus strand). Cytogenetic location: 11q22.3.
Variant type: single nucleotide variant.
Coding change: c.7264G>A on transcript NM_000051.4 (MANE Select); coding-DNA position 7264, G replaced by A.
Protein change: p.Glu2422Lys; replaces glutamic acid 2422 with lysine.
Molecular consequence: missense variant. On other transcripts: intron variant (2).
Genome position (GRCh38, 1-based): chr11:108,329,195, G>A. VCF-style: chr11-108329195-G-A. GRCh37 (hg19) VCF-style: chr11-108199922-G-A.
Other names: c.7264G>A, p.Glu2422Lys (NM_001351834.2); c.641-20124C>T (NM_001330368.2); c.*38+6025C>T (NM_001351110.2); short protein forms E2422K.
Identifiers: ClinVar variation 482697 (VCV000482697.17), dbSNP rs1163371592, ClinGen allele CA382559752.
Genomic context (GRCh38, chr11:108,329,195, plus strand): 5'-GAAAACTACATGAAATCATCGGAATTTGAAAACAAGCAAGCTCTCCTGAAAAGAGCCAAA[G>A]AGGAAGTAGGTCTCCTTAGGGAACATAAAATTCAGACAAACAGGTAACTAGGTTTCTACA-3'
Protein context (NP_000042.3, residues 2412-2432): NKQALLKRAK[Glu2422Lys]EVGLLREHKI